The following is an entry in ClinVar:

ClinVar aggregate classification (germline): Conflicting classifications of pathogenicity. Review status: criteria provided, conflicting classifications (1 of 4 stars). 6 submissions from 6 submitters: Uncertain significance (1); Benign (1); Likely benign (4). Last evaluated 2026-09-01.

Allele frequency attached by ClinVar (database versions not stated): ESP Exome Variant Server 0.00423; 1000 Genomes Project 30x 0.00437; TOPMed 0.00472; 1000 Genomes Project 0.00479; gnomAD 0.00505 and 0.00511; ExAC 0.00540; gnomAD exomes 0.00548 and 0.00773.
gnomAD v4.1: 11,945 of 1,613,930 alleles (0.74%); highest among the groups gnomAD compares: Non-Finnish European, 0.86%; 58 homozygotes.

Submissions (6):

CeGaT Center for Human Genetics Tuebingen
Classification: Likely benign. Last evaluated: 2026-09-01. Review status: criteria provided, single submitter. Criteria: CeGaT Center For Human Genetics Tuebingen Variant Classification Criteria Version 2. Collection method: clinical testing. Allele origin: germline. Affected: yes. Observed: 21 variant alleles.
Comment: SKIC3: BP4, BS2

Labcorp Genetics (formerly Invitae), Labcorp
Classification: Likely benign. Last evaluated: 2026-02-04. Review status: criteria provided, single submitter. Criteria: Invitae Variant Classification Sherloc (09022015). Collection method: clinical testing. Allele origin: germline.

ARUP Laboratories, Molecular Genetics and Genomics, ARUP Laboratories
Classification: Likely benign. Last evaluated: 2023-09-20. Review status: criteria provided, single submitter. Criteria: ARUP Molecular Germline Variant Investigation Process 2024. Collection method: clinical testing. Allele origin: germline.

Center for Genomics, Ann and Robert H. Lurie Children's Hospital of Chicago
Classification: Uncertain significance. Last evaluated: 2022-10-28. Review status: criteria provided, single submitter. Criteria: ACMG Guidelines, 2015. Collection method: clinical testing. Allele origin: germline.
Comment: TTC37 NM_014639.3 exon 39 p.Asn1396Ser (c.4187A>G): This variant has not been reported in the literature, but is present in 0.7% (944/129130) of European alleles, including 2 homozygotes in the Genome Aggregation Database. This variant is present in ClinVar (Variation ID:235756). Evolutionary conservation suggests that this variant may impact the protein; computational predictive tools for this variant suggests that this variant may not impact the protein. In summary, data on this variant is insufficient for disease classification. Therefore, the clinical significance of this variant is uncertain.

Center for Pediatric Genomic Medicine, Children's Mercy Hospital and Clinics
Classification: Benign. Last evaluated: 2015-12-23. Review status: criteria provided, single submitter. Criteria: ACMG Guidelines, 2015. Collection method: clinical testing. Allele origin: germline.

Eurofins Ntd Llc (ga)
Classification: Likely benign. Last evaluated: 2015-12-11. Review status: criteria provided, single submitter. Criteria: EGL Classification Definitions 2015. Collection method: clinical testing. Allele origin: germline. Observed: 1 variant allele, 1 heterozygote.

NM_014639.4(SKIC3):c.4187A>G (p.Asn1396Ser)

Gene: SKIC3 (SKI3 subunit of superkiller complex; minus strand). Cytogenetic location: 5q15.
Variant type: single nucleotide variant.
Coding change: c.4187A>G on transcript NM_014639.4 (MANE Select); coding-DNA position 4187, A replaced by G.
Protein change: p.Asn1396Ser; replaces asparagine 1396 with serine.
Molecular consequence: missense variant.
Genome position (GRCh38, 1-based): chr5:95,482,498, T>C on the plus strand (A>G on the coding strand, the complement: SKIC3 is on the minus strand). VCF-style: chr5-95482498-T-C. GRCh37 (hg19) VCF-style: chr5-94818202-T-C.
Other names: short protein forms N1396S.
Identifiers: ClinVar variation 235756 (VCV000235756.55), dbSNP rs116690692, ClinGen allele CA3346483.